The following is an entry in ClinVar:

NM_000238.4(KCNH2):c.2892C>G (p.Pro964=)

Gene: KCNH2 (potassium voltage-gated channel subfamily H member 2; minus strand). Cytogenetic location: 7q36.1.
Variant type: single nucleotide variant.
Coding change: c.2892C>G on transcript NM_000238.4 (MANE Select); coding-DNA position 2892, C replaced by G.
Protein change: p.Pro964=; no amino-acid change (proline 964 retained).
Molecular consequence: synonymous variant.
Genome position (GRCh38, 1-based): chr7:150,947,679, G>C on the plus strand (C>G on the coding strand, the complement: KCNH2 is on the minus strand). VCF-style: chr7-150947679-G-C. GRCh37 (hg19) VCF-style: chr7-150644767-G-C.
Other names: c.1872C>G, p.Pro624= (NM_172057.3).
Identifiers: ClinVar variation 701180 (VCV000701180.17), dbSNP rs769972412, ClinGen allele CA035233.
Genomic context (GRCh38, chr7:150,947,679, plus strand): 5'-GCAAGTGTCGCTGCTCTTCTCGCAGTCCTCCATCAGGGGCTCCCCACCCGGCGGCTCTCC[G>C]GGGGGCCTGGGGCTGGAGAAGGGCACCAGGCGGAGGGGGCTGGAGCTGCGGCCTGGGCCC-3'
Protein context (NP_000229.1, residues 954-974): RLVPFSSPRP[Pro964=]GEPPGGEPLM

ClinVar aggregate classification (germline): Likely benign. Review status: criteria provided, multiple submitters, no conflicts (2 of 4 stars). 5 submissions from 5 submitters: Likely benign (5). Last evaluated 2025-10-01.

Conditions:
Cardiac arrhythmia. Also called: Arrhythmia; Cardiac rhythm disease. Identifiers: MedGen C0003811, MONDO:0007263, HP:0011675.
Long QT syndrome (LQTS). Identifiers: MedGen C0023976, MeSH D008133, MONDO:0002442. Disease mechanism: loss of function. Inheritance: Various modes of inheritance.
Cardiovascular phenotype. Identifiers: MedGen CN230736.

gnomAD v4.1: 16 of 1,601,570 alleles (0.001%); highest among the groups gnomAD compares: Admixed American, 0.0034%; no homozygotes.

Submissions (5):

Labcorp Genetics (formerly Invitae), Labcorp
Classification: Likely benign for Long QT syndrome. Last evaluated: 2025-10-01. Review status: criteria provided, single submitter. Criteria: Invitae Variant Classification Sherloc (09022015). Collection method: clinical testing. Allele origin: germline.

Ambry Genetics
Classification: Likely benign for Cardiovascular phenotype. Last evaluated: 2023-09-07. Review status: criteria provided, single submitter. Criteria: Ambry Variant Classification Scheme 2023. Collection method: clinical testing. Allele origin: germline.

All of Us Research Program, National Institutes of Health
Classification: Likely benign for Long QT syndrome. Last evaluated: 2023-07-10. Review status: criteria provided, single submitter. Criteria: ACMG Guidelines, 2015. Collection method: clinical testing. Allele origin: germline. Inheritance: Autosomal dominant inheritance. Observed: 1 variant allele, 1 heterozygote.
Comment: This study involves interpretation of variants in research participants for the purpose of population health screening. Participant phenotype was not available at the time of variant classification. Additional details can be found in publication PMID: 35346344, PMCID: PMC8962531

Women's Health and Genetics/Laboratory Corporation of America, LabCorp
Classification: Likely benign. Last evaluated: 2020-01-19. Review status: criteria provided, single submitter. Criteria: LabCorp Variant Classification Summary - May 2015. Collection method: clinical testing. Allele origin: germline.

Color Diagnostics, LLC DBA Color Health
Classification: Likely benign for Arrhythmia. Last evaluated: 2019-04-14. Review status: criteria provided, single submitter. Criteria: ACMG Guidelines, 2015. Collection method: clinical testing. Allele origin: germline.